The following is an entry in ClinVar:

NM_001376571.1(MADD):c.994C>T (p.Leu332Phe)

Gene: MADD (MAP kinase activating death domain; plus strand). Cytogenetic location: 11p11.2.
Variant type: single nucleotide variant.
Coding change: c.994C>T on transcript NM_001376571.1 (MANE Select); coding-DNA position 994, C replaced by T.
Protein change: p.Leu332Phe; replaces leucine 332 with phenylalanine.
Molecular consequence: missense variant. On other transcripts: non-coding transcript variant (8).
Genome position (GRCh38, 1-based): chr11:47,276,762, C>T. VCF-style: chr11-47276762-C-T. GRCh37 (hg19) VCF-style: chr11-47298313-C-T.
Other names: c.994C>T, p.Leu332Phe (NM_001135943.2, NM_001135944.2, NM_001376572.1 and 80 more transcripts); c.790C>T, p.Leu264Phe (NM_001376620.1, NM_001376626.1, NM_001376627.1 and 9 more transcripts); c.328C>T, p.Leu110Phe (NM_001376663.1); c.994C>T (NM_003682.3); short protein forms L264F, L110F, L332F.
Identifiers: ClinVar variation 806671 (VCV000806671.43), dbSNP rs1402413143, ClinGen allele CA380324114.

ClinVar aggregate classification (germline): Uncertain significance. Review status: criteria provided, multiple submitters, no conflicts (2 of 4 stars). 2 submissions from 2 submitters: Uncertain significance (2). Last evaluated 2025-08-15.

Allele frequency attached by ClinVar (database versions not stated): gnomAD exomes below 0.00001; gnomAD 0.00001.
gnomAD v4.1: 2 of 1,614,082 alleles (0.00012%); highest among the groups gnomAD compares: African/African-American, 0.0013%; no homozygotes.

Submissions (2):

GeneDx
Classification: Uncertain significance. Last evaluated: 2025-08-15. Review status: criteria provided, single submitter. Criteria: GeneDx Variant Classification Process June 2021. Collection method: clinical testing. Allele origin: germline. Affected: yes.
Comment: Not observed at significant frequency in large population cohorts (gnomAD); In silico analysis supports that this missense variant has a deleterious effect on protein structure/function; Has not been previously published as pathogenic or benign to our knowledge

CeGaT Center for Human Genetics Tuebingen
Classification: Uncertain significance. Last evaluated: 2018-10-01. Review status: criteria provided, single submitter. Criteria: CeGaT Center For Human Genetics Tuebingen Variant Classification Criteria Version 2. Collection method: clinical testing. Allele origin: germline. Affected: yes. Observed: 4 variant alleles.